The following is an entry in ClinVar:

ClinVar aggregate classification (germline): Uncertain significance. Review status: criteria provided, multiple submitters, no conflicts (2 of 4 stars). 2 submissions from 2 submitters: Uncertain significance (2). Last evaluated 2024-04-15.

Conditions:
Arrhythmogenic right ventricular dysplasia 11. Also called: ARRHYTHMOGENIC RIGHT VENTRICULAR DYSPLASIA, FAMILIAL, 11; Arrhythmogenic Right Ventricular Dysplasia/Cardiomyopathy11; Arrhythmogenic right ventricular dysplasia 11 with mild palmoplantar keratoderma and woolly hair. Identifiers: MedGen C1864850, MONDO:0012506, OMIM 610476.
Cardiomyopathy (CMYO). Also called: Cardiomyopathies. Identifiers: Orphanet 167848, MedGen C0878544, MONDO:0004994, HP:0001638. Inheritance: Various modes of inheritance.

Submissions (2):

Labcorp Genetics (formerly Invitae), Labcorp
Classification: Uncertain significance for Arrhythmogenic right ventricular dysplasia 11. Last evaluated: 2024-04-15. Review status: criteria provided, single submitter. Criteria: Invitae Variant Classification Sherloc (09022015). Collection method: clinical testing. Allele origin: germline.
Comment: This sequence change falls in intron 7 of the DSC2 gene. It does not directly change the encoded amino acid sequence of the DSC2 protein. It affects a nucleotide within the consensus splice site. This variant is not present in population databases (gnomAD no frequency). This variant has not been reported in the literature in individuals affected with DSC2-related conditions. Variants that disrupt the consensus splice site are a relatively common cause of aberrant splicing (PMID: 17576681, 9536098). Algorithms developed to predict the effect of sequence changes on RNA splicing suggest that this variant is not likely to affect RNA splicing. In summary, the available evidence is currently insufficient to determine the role of this variant in disease. Therefore, it has been classified as a Variant of Uncertain Significance.

Color Diagnostics, LLC DBA Color Health
Classification: Uncertain significance for Cardiomyopathy. Last evaluated: 2022-05-06. Review status: criteria provided, single submitter. Criteria: ACMG Guidelines, 2015. Collection method: clinical testing. Allele origin: germline.
Comment: This variant causes an A to G nucleotide substitution at the +6 position of intron 7 of the DSC2 gene. To our knowledge, functional studies have not been reported for this variant. This variant has not been reported in individuals affected with cardiovascular disorders in the literature. This variant has not been identified in the general population by the Genome Aggregation Database (gnomAD). The available evidence is insufficient to determine the role of this variant in disease conclusively. Therefore, this variant is classified as a Variant of Uncertain Significance.

Literature cited by the submitters: PubMed 17576681 (cited by Labcorp Genetics (formerly Invitae), Labcorp); PubMed 9536098 (cited by Labcorp Genetics (formerly Invitae), Labcorp).

NM_024422.6(DSC2):c.942+6A>G

Gene: DSC2 (desmocollin 2; minus strand). Cytogenetic location: 18q12.1.
Variant type: single nucleotide variant.
Coding change: c.942+6A>G on transcript NM_024422.6 (MANE Select); 6 bases into the intron after coding-DNA position 942, A replaced by G.
Molecular consequence: intron variant.
Genome position (GRCh38, 1-based): chr18:31,086,570, T>C on the plus strand (A>G on the coding strand, the complement: DSC2 is on the minus strand). VCF-style: chr18-31086570-T-C. GRCh37 (hg19) VCF-style: chr18-28666533-T-C.
Other names: c.942+6A>G (NM_004949.5); c.513+6A>G (NM_001406506.1, NM_001406507.1).
Identifiers: ClinVar variation 2775184 (VCV002775184.3), dbSNP rs2510951076, ClinGen allele CA2697555398.